The following is an entry in ClinVar:

ClinVar aggregate classification (germline): Uncertain significance (1 of 4 stars; one submission).

Conditions:
Combined immunodeficiency due to CTPS1 deficiency. Also called: Immunodeficiency 24; Severe combined immunodeficiency due to CTPS1 deficiency. Identifiers: Orphanet 420573, MedGen C4014617, MONDO:0014391, OMIM 615897.

Allele frequency attached by ClinVar (database versions not stated): ExAC 0.00001; gnomAD 0.00001; TOPMed 0.00001; ESP Exome Variant Server 0.00008.
gnomAD v4.1: 10 of 1,612,368 alleles (0.00062%); highest among the groups gnomAD compares: East Asian, 0.0022%; no homozygotes.

Submission:

Labcorp Genetics (formerly Invitae), Labcorp
Classification: Uncertain significance for Combined immunodeficiency due to CTPS1 deficiency. Last evaluated: 2024-05-06. Review status: criteria provided, single submitter. Criteria: Invitae Variant Classification Sherloc (09022015). Collection method: clinical testing. Allele origin: germline.
Comment: This sequence change replaces valine, which is neutral and non-polar, with methionine, which is neutral and non-polar, at codon 352 of the CTPS1 protein (p.Val352Met). This variant is not present in population databases (gnomAD no frequency). This variant has not been reported in the literature in individuals affected with CTPS1-related conditions. ClinVar contains an entry for this variant (Variation ID: 951662). An algorithm developed to predict the effect of missense changes on protein structure and function (PolyPhen-2) suggests that this variant is likely to be tolerated. In summary, the available evidence is currently insufficient to determine the role of this variant in disease. Therefore, it has been classified as a Variant of Uncertain Significance.

NM_001905.4(CTPS1):c.1054G>A (p.Val352Met)

Gene: CTPS1 (CTP synthase 1; plus strand). Cytogenetic location: 1p34.2.
Variant type: single nucleotide variant.
Coding change: c.1054G>A on transcript NM_001905.4 (MANE Select); coding-DNA position 1054, G replaced by A.
Protein change: p.Val352Met; replaces valine 352 with methionine.
Molecular consequence: missense variant. On other transcripts: non-coding transcript variant (1).
Genome position (GRCh38, 1-based): chr1:41,001,077, G>A. VCF-style: chr1-41001077-G-A. GRCh37 (hg19) VCF-style: chr1-41466749-G-A.
Other names: c.586G>A, p.Val196Met (NM_001301237.2); short protein forms V196M, V352M.
Identifiers: ClinVar variation 951662 (VCV000951662.9), dbSNP rs150289603, ClinGen allele CA795409.